The following is an entry in ClinVar:

NM_001042492.3(NF1):c.2189_2193del (p.Asn730fs)

Gene: NF1 (neurofibromin 1; plus strand). Cytogenetic location: 17q11.2.
Variant type: Deletion.
Coding change: c.2189_2193del on transcript NM_001042492.3 (MANE Select); coding-DNA positions 2189 to 2193, 5 bases deleted (ACCTC; older notation c.2189_2193delACCTC).
Protein change: p.Asn730fs; shifts the reading frame from asparagine 730.
Molecular consequence: frameshift variant.
Genome position (GRCh38, 1-based): chr17:31,226,622-31,226,626, ACCTC deleted. VCF-style (leftmost placement, unchanged base first): chr17-31226621-AACCTC-A. GRCh37 (hg19) VCF-style: chr17-29553639-AACCTC-A.
Other names: c.2189_2193delACCTC (NM_000267.3); c.2189_2193delACCTC, p.Asn730Ilefs (NM_000267.4); short protein forms N730fs.
Identifiers: ClinVar variation 2742112 (VCV002742112.4), dbSNP rs2508157934, ClinGen allele CA2697559717.

ClinVar aggregate classification (germline): Pathogenic. Review status: criteria provided, multiple submitters, no conflicts (2 of 4 stars). 2 submissions from 2 submitters: Pathogenic (2). Last evaluated 2026-07-09.

Conditions:
Neurofibromatosis, type 1 (NF1). Also called: VON RECKLINGHAUSEN DISEASE; Peripheral type neurofibromatosis; NEUROFIBROMATOSIS, TYPE I, SOMATIC; Neurofibromatosis, type I. Identifiers: Orphanet 636, MedGen C0027831, MONDO:0018975, OMIM 162200. Disease mechanism: loss of function.
Hereditary cancer-predisposing syndrome. Also called: Hereditary Cancer Syndrome; Hereditary neoplastic syndrome; Neoplastic Syndromes, Hereditary; Tumor predisposition. Identifiers: Orphanet 140162, MedGen C0027672, MeSH D009386, MONDO:0015356.
Cardiovascular phenotype. Identifiers: MedGen CN230736.

Submissions (2):

Ambry Genetics
Classification: Pathogenic for Cardiovascular phenotype; Hereditary cancer-predisposing syndrome. Last evaluated: 2026-07-09. Review status: criteria provided, single submitter. Criteria: Ambry Variant Classification Scheme 2023. Collection method: clinical testing. Allele origin: germline.
Comment: The c.2189_2193delACCTC pathogenic mutation, located in coding exon 18 of the NF1 gene, results from a deletion of 5 nucleotides at nucleotide positions 2189 to 2193, causing a translational frameshift with a predicted alternate stop codon (p.N730Ifs*5). This variant is considered to be rare based on population cohorts in the Genome Aggregation Database (gnomAD). This alteration is expected to result in loss of function by premature protein truncation or nonsense-mediated mRNA decay. As such, this alteration is interpreted as a disease-causing mutation.

Labcorp Genetics (formerly Invitae), Labcorp
Classification: Pathogenic for Neurofibromatosis, type 1. Last evaluated: 2025-08-07. Review status: criteria provided, single submitter. Criteria: Invitae Variant Classification Sherloc (09022015). Collection method: clinical testing. Allele origin: germline.
Comment: This sequence change creates a premature translational stop signal (p.Asn730Ilefs*5) in the NF1 gene. It is expected to result in an absent or disrupted protein product. Loss-of-function variants in NF1 are known to be pathogenic (PMID: 10712197, 23913538). This variant is not present in population databases (gnomAD no frequency). This variant has not been reported in the literature in individuals affected with NF1-related conditions. ClinVar contains an entry for this variant (Variation ID: 2742112). For these reasons, this variant has been classified as Pathogenic.

Literature cited by the submitters: PubMed 10712197 (cited by Labcorp Genetics (formerly Invitae), Labcorp); PubMed 23913538 (cited by Labcorp Genetics (formerly Invitae), Labcorp).